The following is an entry in ClinVar:

ClinVar aggregate classification (germline): Uncertain significance (1 of 4 stars; one submission).

Conditions:
POLD1-related polyposis and colorectal cancer syndrome (CRCS10). Also called: Colorectal cancer 10; COLORECTAL CANCER, SUSCEPTIBILITY TO, ON CHROMOSOME 19q; Colorectal cancer, susceptibility to, 10. Identifiers: Orphanet 220460, MedGen C2675481, MONDO:0012953, OMIM 612591.

Submission:

Labcorp Genetics (formerly Invitae), Labcorp
Classification: Uncertain significance for POLD1-related polyposis and colorectal cancer syndrome. Last evaluated: 2024-03-20. Review status: criteria provided, single submitter. Criteria: Invitae Variant Classification Sherloc (09022015). Collection method: clinical testing. Allele origin: germline.
Comment: This sequence change creates a premature translational stop signal (p.Arg776Glyfs*112) in the POLD1 gene. Missense variants that disrupt the 3'-5' exonuclease (proof-reading) activity of the POLD1 protein are associated with PPAP (polymerase proofreading–associated polyposis) (PMID: 23263490, 23447401). However, loss-of-function variants that result in an absent or severely disrupted POLD1 protein, and missense variants outside the exonuclease domain, are unlikely to be associated with PPAP. This variant is not present in population databases (gnomAD no frequency). This variant has not been reported in the literature in individuals affected with POLD1-related conditions. In summary, the available evidence is currently insufficient to determine the role of this variant in disease. Therefore, it has been classified as a Variant of Uncertain Significance.

Literature cited by the submitters: PubMed 23263490; PubMed 23447401.

NM_002691.4(POLD1):c.2325del (p.Arg776fs)

Gene: POLD1 (DNA polymerase delta 1, catalytic subunit; plus strand). Cytogenetic location: 19q13.33.
Variant type: Deletion.
Coding change: c.2325del on transcript NM_002691.4 (MANE Select); coding-DNA position 2325, one base deleted (G; older notation c.2325delG).
Protein change: p.Arg776fs; shifts the reading frame from arginine 776.
Molecular consequence: frameshift variant. On other transcripts: non-coding transcript variant (1).
Genome position (GRCh38, 1-based): chr19:50,413,816, G deleted; the last of 4 consecutive G bases (chr19:50,413,813-50,413,816); deleting any one gives the same sequence. VCF-style (leftmost placement, unchanged base first): chr19-50413812-TG-T. GRCh37 (hg19) VCF-style: chr19-50917069-TG-T.
Other names: c.2325del, p.Arg776fs (NM_001256849.1); c.2403del, p.Arg802fs (NM_001308632.1); short protein forms R802fs, R776fs.
Identifiers: ClinVar variation 3676375 (VCV003676375.2).